The following is an entry in ClinVar:

NM_000290.4(PGAM2):c.59A>C (p.Asn20Thr)

Genes: DBNL (drebrin like; plus strand), PGAM2 (phosphoglycerate mutase 2; minus strand). Cytogenetic location: 7p13.
Variant type: single nucleotide variant.
Coding change: c.59A>C on transcript NM_000290.4 (MANE Select); coding-DNA position 59, A replaced by C.
Protein change: p.Asn20Thr; replaces asparagine 20 with threonine.
Molecular consequence: missense variant. On other transcripts: 3 prime UTR variant (6).
Genome position (GRCh38, 1-based): chr7:44,065,471, T>G on the plus strand (A>C on the coding strand, the complement: PGAM2 is on the minus strand). VCF-style: chr7-44065471-T-G. GRCh37 (hg19) VCF-style: chr7-44105070-T-G.
Other names: c.*4555T>G (NM_001014436.3, NM_001122956.2, NM_001284313.2 and 3 more transcripts); short protein forms N20T.
Identifiers: ClinVar variation 1979306 (VCV001979306.3), dbSNP rs1336837510, ClinGen allele CA367370327.
Genomic context (GRCh38, chr7:44,065,471, plus strand): 5'-CGCTTGGCCTCCTCGGTCCCCTTTTCACTCAGCTCTGCATCGAACCAGCCACAGAAACGG[T>G]TCTCCTGGTTCCATGTGCTCTCGCCGTGCCGGACCATCACGAGGCGGTGAGTGGCCATGG-3'
Protein context (NP_000281.2, residues 10-30): RHGESTWNQE[Asn20Thr]RFCGWFDAEL

ClinVar aggregate classification (germline): Uncertain significance (1 of 4 stars; one submission).

Conditions:
Glycogen storage disease type X (GSD10). Also called: Dimauro disease; GSD X; MYOPATHY DUE TO PHOSPHOGLYCERATE MUTASE DEFICIENCY; Glycogen storage disease due to phosphoglycerate mutase deficiency; PGAMM DEFICIENCY; PHOSPHOGLYCERATE MUTASE, MUSCLE, DEFICIENCY OF. Identifiers: Orphanet 97234, MedGen C0268149, MONDO:0009865, OMIM 261670.

Allele frequency attached by ClinVar (database versions not stated): TOPMed below 0.00001; gnomAD exomes 0.00001.
gnomAD v4.1: 11 of 1,614,108 alleles (0.00068%); highest among the groups gnomAD compares: Non-Finnish European, 0.00093%; no homozygotes.

Submission:

Labcorp Genetics (formerly Invitae), Labcorp
Classification: Uncertain significance for Glycogen storage disease type X. Last evaluated: 2022-05-30. Review status: criteria provided, single submitter. Criteria: Invitae Variant Classification Sherloc (09022015). Collection method: clinical testing. Allele origin: germline.
Comment: In summary, the available evidence is currently insufficient to determine the role of this variant in disease. Therefore, it has been classified as a Variant of Uncertain Significance. Algorithms developed to predict the effect of missense changes on protein structure and function (SIFT, PolyPhen-2, Align-GVGD) all suggest that this variant is likely to be disruptive. This variant has not been reported in the literature in individuals affected with PGAM2-related conditions. This variant is present in population databases (no rsID available, gnomAD 0.0009%). This sequence change replaces asparagine, which is neutral and polar, with threonine, which is neutral and polar, at codon 20 of the PGAM2 protein (p.Asn20Thr).